The following is an entry in ClinVar:

ClinVar aggregate classification (germline): Uncertain significance (1 of 4 stars; one submission).

Conditions:
Cardiovascular phenotype. Identifiers: MedGen CN230736.

Allele frequency attached by ClinVar (database versions not stated): gnomAD exomes below 0.00001.
gnomAD v4.1: 2 of 1,611,526 alleles (0.00012%); highest among the groups gnomAD compares: East Asian, 0.0045%; no homozygotes.

Submission:

Ambry Genetics
Classification: Uncertain significance for Cardiovascular phenotype. Last evaluated: 2024-02-22. Review status: criteria provided, single submitter. Criteria: Ambry Variant Classification Scheme 2023. Collection method: clinical testing. Allele origin: germline.
Comment: The p.W358C variant (also known as c.1074G>C), located in coding exon 8 of the SCN10A gene, results from a G to C substitution at nucleotide position 1074. The tryptophan at codon 358 is replaced by cysteine, an amino acid with highly dissimilar properties. This amino acid position is conserved. In addition, this alteration is predicted to be deleterious by in silico analysis. Based on the available evidence, the clinical significance of this alteration remains unclear.

NM_006514.4(SCN10A):c.1074G>C (p.Trp358Cys)

Gene: SCN10A (sodium voltage-gated channel alpha subunit 10; minus strand). Cytogenetic location: 3p22.2.
Variant type: single nucleotide variant.
Coding change: c.1074G>C on transcript NM_006514.4 (MANE Select); coding-DNA position 1074, G replaced by C.
Protein change: p.Trp358Cys; replaces tryptophan 358 with cysteine.
Molecular consequence: missense variant.
Genome position (GRCh38, 1-based): chr3:38,757,036, C>G on the plus strand (G>C on the coding strand, the complement: SCN10A is on the minus strand). VCF-style: chr3-38757036-C-G. GRCh37 (hg19) VCF-style: chr3-38798527-C-G.
Other names: c.1074G>C, p.Trp358Cys (NM_001293306.2, NM_001293307.2); short protein forms W358C.
Identifiers: ClinVar variation 3225615 (VCV003225615.1), dbSNP rs2063815707, ClinGen allele CA352170036.
Genomic context (GRCh38, chr3:38,757,036, plus strand): 5'-CAGCCTCCAACCAAGTCTGCGTGGGGGAATGCAGCTCAGTACCTGCTGGTAGAGGCGTTC[C>G]CAGGAATCCTGTGTCATGAGGCGGAACAGTGAGAGGAAAGCCCAAGCAAAGGAATCAAAG-3'
Protein context (NP_006505.4, residues 348-368): SLFRLMTQDS[Trp358Cys]ERLYQQTLRT